The following is an entry in ClinVar:

NM_001378418.1(TCF20):c.5549A>G (p.Asn1850Ser)

Gene: TCF20 (transcription factor 20; minus strand). Cytogenetic location: 22q13.2.
Variant type: single nucleotide variant.
Coding change: c.5549A>G on transcript NM_001378418.1 (MANE Select); coding-DNA position 5549, A replaced by G.
Protein change: p.Asn1850Ser; replaces asparagine 1850 with serine.
Molecular consequence: missense variant.
Genome position (GRCh38, 1-based): chr22:42,209,757, T>C on the plus strand (A>G on the coding strand, the complement: TCF20 is on the minus strand). VCF-style: chr22-42209757-T-C. GRCh37 (hg19) VCF-style: chr22-42605763-T-C.
Other names: c.5549A>G (NM_005650.1); c.5549A>G, p.Asn1850Ser (NM_005650.4, NM_181492.3); short protein forms N1850S.
Identifiers: ClinVar variation 1696762 (VCV001696762.6), dbSNP rs780958269, ClinGen allele CA10266452.
Genomic context (GRCh38, chr22:42,209,757, plus strand): 5'-CCACAAACCAGGTAGATTCCATTGGCCCAGAGAATACAACCCTCATGGACCCAAAATTCA[T>C]TGCTGTCAAGAGGTAGTTCAGGGATTTGTAACTCCAGCTCAGGGCCACCTTCTGAAGTGG-3'
Protein context (NP_001365347.1, residues 1840-1860): LQIPELPLDS[Asn1850Ser]EFWVHEGCIL

ClinVar aggregate classification (germline): Conflicting classifications of pathogenicity. Review status: criteria provided, conflicting classifications (1 of 4 stars). 4 submissions from 4 submitters: Uncertain significance (3); Likely benign (1). Last evaluated 2024-10-30.

Conditions:
Inborn genetic diseases. Identifiers: MedGen C0950123, MeSH D030342.
Developmental delay with variable intellectual impairment and behavioral abnormalities. Identifiers: MedGen C5193092, MONDO:0032745, OMIM 618430.

Allele frequency attached by ClinVar (database versions not stated): gnomAD 0.00001; gnomAD exomes 0.00001 and 0.00004; TOPMed 0.00001; ExAC 0.00006.
gnomAD v4.1: 23 of 1,614,064 alleles (0.0014%); highest among the groups gnomAD compares: Middle Eastern, 0.016%; no homozygotes.

Submissions (4):

Labcorp Genetics (formerly Invitae), Labcorp
Classification: Uncertain significance. Last evaluated: 2024-10-30. Review status: criteria provided, single submitter. Criteria: Invitae Variant Classification Sherloc (09022015). Collection method: clinical testing. Allele origin: germline.
Comment: This sequence change replaces asparagine, which is neutral and polar, with serine, which is neutral and polar, at codon 1850 of the TCF20 protein (p.Asn1850Ser). This variant is present in population databases (rs780958269, gnomAD 0.04%). This variant has not been reported in the literature in individuals affected with TCF20-related conditions. ClinVar contains an entry for this variant (Variation ID: 1696762). An algorithm developed to predict the effect of missense changes on protein structure and function (PolyPhen-2) suggests that this variant is likely to be tolerated. In summary, the available evidence is currently insufficient to determine the role of this variant in disease. Therefore, it has been classified as a Variant of Uncertain Significance.

Ambry Genetics
Classification: Likely benign for Inborn genetic diseases. Last evaluated: 2023-06-07. Review status: criteria provided, single submitter. Criteria: Ambry Variant Classification Scheme 2023. Collection method: clinical testing. Allele origin: germline.

Department of Pathology and Laboratory Medicine, Sinai Health System
Classification: Uncertain significance for Developmental delay with variable intellectual impairment and behavioral abnormalities. Last evaluated: 2021-07-30. Review status: criteria provided, single submitter. Criteria: ACMG Guidelines, 2015. Collection method: research. Allele origin: germline.

New York Genome Center
Classification: Uncertain significance for Developmental delay with variable intellectual impairment and behavioral abnormalities. Last evaluated: 2021-07-02. Review status: criteria provided, single submitter. Criteria: NYGC Assertion Criteria 2020. Collection method: clinical testing. Allele origin: inherited. Observed: 1 heterozygote. Study: CSER-NYCKidSeq.